The following is an entry in ClinVar:

ClinVar aggregate classification (germline): Uncertain significance (1 of 4 stars; one submission).

Allele frequency attached by ClinVar (database versions not stated): gnomAD exomes below 0.00001 and 0.00001.
gnomAD v4.1: 1 of 1,209,902 alleles (0.000083%); highest among the groups gnomAD compares: Admixed American, 0.0022%; no homozygotes.

Submission:

Women's Health and Genetics/Laboratory Corporation of America, LabCorp
Classification: Uncertain significance. Last evaluated: 2022-06-03. Review status: criteria provided, single submitter. Criteria: LabCorp Variant Classification Summary - May 2015. Collection method: clinical testing. Allele origin: germline.
Comment: Variant summary: CLIC2 c.454A>G (p.Thr152Ala) results in a non-conservative amino acid change located in the Glutathione S-transferase, C-terminal-like (IPR010987) of the encoded protein sequence. Three of five in-silico tools predict a damaging effect of the variant on protein function. The variant allele was found at a frequency of 5.5e-06 in 183107 control chromosomes (gnomAD). The available data on variant occurrences in the general population are insufficient to allow any conclusion about variant significance. To our knowledge, no occurrence of c.454A>G in individuals affected with X-Linked Intellectual Disability-Cardiomegaly Heart Failure Syndrome and no experimental evidence demonstrating its impact on protein function have been reported. No clinical diagnostic laboratories have submitted clinical-significance assessments for this variant to ClinVar after 2014. Based on the evidence outlined above, the variant was classified as uncertain significance.

NM_001289.6(CLIC2):c.454A>G (p.Thr152Ala)

Gene: CLIC2 (chloride intracellular channel 2; minus strand). Cytogenetic location: Xq28.
Variant type: single nucleotide variant.
Coding change: c.454A>G on transcript NM_001289.6 (MANE Select); coding-DNA position 454, A replaced by G.
Protein change: p.Thr152Ala; replaces threonine 152 with alanine.
Molecular consequence: missense variant.
Genome position (GRCh38, 1-based): chrX:155,279,277, T>C on the plus strand (A>G on the coding strand, the complement: CLIC2 is on the minus strand). VCF-style: chrX-155279277-T-C. GRCh37 (hg19) VCF-style: chrX-154508566-T-C.
Other names: short protein forms T152A.
Identifiers: ClinVar variation 1698466 (VCV001698466.1), dbSNP rs1557316156, ClinGen allele CA414931700.